The following is an entry in ClinVar:

NM_020041.3(SLC2A9):c.1339C>T (p.Arg447Trp)

Gene: SLC2A9 (solute carrier family 2 member 9; minus strand). Cytogenetic location: 4p16.1.
Variant type: single nucleotide variant.
Coding change: c.1339C>T on transcript NM_020041.3 (MANE Select); coding-DNA position 1339, C replaced by T.
Protein change: p.Arg447Trp; replaces arginine 447 with tryptophan.
Molecular consequence: missense variant.
Genome position (GRCh38, 1-based): chr4:9,834,961, G>A on the plus strand (C>T on the coding strand, the complement: SLC2A9 is on the minus strand). VCF-style: chr4-9834961-G-A. GRCh37 (hg19) VCF-style: chr4-9836585-G-A.
Other names: c.1252C>T, p.Arg418Trp (NM_001001290.2); c.1339C>T (NM_020041.2); short protein forms R447W, R418W.
Identifiers: ClinVar variation 1928845 (VCV001928845.8), dbSNP rs544017062, ClinGen allele CA2856886.
Genomic context (GRCh38, chr4:9,834,961, plus strand): 5'-GCCCAACAGCAAAGTTGGAGAGCCAGTTGACGGTGCCTGCAATGATGAAGGCAGCCGGCC[G>A]CTGAGATTGCTGGAAGAACTCACCAGTCAAGATGAACGGGATGCCACCTGCAGTGTGTGA-3'
Protein context (NP_064425.2, residues 437-457): LTGEFFQQSQ[Arg447Trp]PAAFIIAGTV

ClinVar aggregate classification (germline): Uncertain significance. Review status: criteria provided, multiple submitters, no conflicts (2 of 4 stars). 3 submissions from 3 submitters: Uncertain significance (3). Last evaluated 2025-04-07.

Conditions:
Inborn genetic diseases. Identifiers: MedGen C0950123, MeSH D030342.
Hypouricemia, renal, 2. Also called: HYPOURICEMIA, RENAL, 2, AUTOSOMAL DOMINANT; HYPOURICEMIA, RENAL, 2, AUTOSOMAL RECESSIVE. Identifiers: MedGen C2677549, MONDO:0012793, OMIM 612076.

Allele frequency attached by ClinVar (database versions not stated): ExAC 0.00002; 1000 Genomes Project 30x 0.00016; 1000 Genomes Project 0.00020.
gnomAD v4.1: 26 of 1,613,970 alleles (0.0016%); highest among the groups gnomAD compares: Admixed American, 0.018%; no homozygotes.

Submissions (3):

Ambry Genetics
Classification: Uncertain significance for Inborn genetic diseases. Last evaluated: 2025-04-07. Review status: criteria provided, single submitter. Criteria: Ambry Variant Classification Scheme 2023. Collection method: clinical testing. Allele origin: germline.

Revvity Omics, Revvity
Classification: Uncertain significance for Hypouricemia, renal, 2. Last evaluated: 2022-09-13. Review status: criteria provided, single submitter. Criteria: ACMG Guidelines, 2015. Collection method: clinical testing. Allele origin: germline.

Labcorp Genetics (formerly Invitae), Labcorp
Classification: Uncertain significance. Last evaluated: 2022-04-15. Review status: criteria provided, single submitter. Criteria: Invitae Variant Classification Sherloc (09022015). Collection method: clinical testing. Allele origin: germline.
Comment: This variant is present in population databases (rs544017062, gnomAD 0.01%). In summary, the available evidence is currently insufficient to determine the role of this variant in disease. Therefore, it has been classified as a Variant of Uncertain Significance. Algorithms developed to predict the effect of missense changes on protein structure and function output the following: SIFT: "Deleterious"; PolyPhen-2: "Probably Damaging"; Align-GVGD: "Class C0". The tryptophan amino acid residue is found in multiple mammalian species, which suggests that this missense change does not adversely affect protein function. This variant has not been reported in the literature in individuals affected with SLC2A9-related conditions. This sequence change replaces arginine, which is basic and polar, with tryptophan, which is neutral and slightly polar, at codon 447 of the SLC2A9 protein (p.Arg447Trp).